The following is an entry in ClinVar:

NM_000130.5(F5):c.1592T>C (p.Leu531Pro)

Gene: F5 (coagulation factor V; minus strand). Cytogenetic location: 1q24.2.
Variant type: single nucleotide variant.
Coding change: c.1592T>C on transcript NM_000130.5 (MANE Select); coding-DNA position 1592, T replaced by C.
Protein change: p.Leu531Pro; replaces leucine 531 with proline.
Molecular consequence: missense variant.
Genome position (GRCh38, 1-based): chr1:169,549,820, A>G on the plus strand (T>C on the coding strand, the complement: F5 is on the minus strand). VCF-style: chr1-169549820-A-G. GRCh37 (hg19) VCF-style: chr1-169519058-A-G.
Other names: short protein forms L531P.
Identifiers: ClinVar variation 2749054 (VCV002749054.3), dbSNP rs2526415087, ClinGen allele CA343124147.

ClinVar aggregate classification (germline): Uncertain significance (1 of 4 stars; one submission).

Conditions:
Congenital factor V deficiency. Also called: Hereditary factor V deficiency disease; LABILE FACTOR DEFICIENCY; OWREN PARAHEMOPHILIA; PARAHEMOPHILIA. Identifiers: Orphanet 326, MedGen C0015499, MONDO:0009210, OMIM 227400.

Submission:

Labcorp Genetics (formerly Invitae), Labcorp
Classification: Uncertain significance for Congenital factor V deficiency. Last evaluated: 2023-11-03. Review status: criteria provided, single submitter. Criteria: Invitae Variant Classification Sherloc (09022015). Collection method: clinical testing. Allele origin: germline.
Comment: This sequence change replaces leucine, which is neutral and non-polar, with proline, which is neutral and non-polar, at codon 531 of the F5 protein (p.Leu531Pro). This variant is not present in population databases (gnomAD no frequency). This missense change has been observed in individual(s) with clinical features of Factor V deficiency (Invitae). In at least one individual the data is consistent with being in trans (on the opposite chromosome) from a pathogenic variant. Advanced modeling of protein sequence and biophysical properties (such as structural, functional, and spatial information, amino acid conservation, physicochemical variation, residue mobility, and thermodynamic stability) performed at Invitae indicates that this missense variant is expected to disrupt F5 protein function with a positive predictive value of 80%. In summary, the available evidence is currently insufficient to determine the role of this variant in disease. Therefore, it has been classified as a Variant of Uncertain Significance.